The following is an entry in ClinVar:

NM_001080467.3(MYO5B):c.*1142A>C

Genes: SNHG22 (small nucleolar RNA host gene 22; plus strand), MYO5B (myosin VB; minus strand). Cytogenetic location: 18q21.1.
Variant type: single nucleotide variant.
Coding change: c.*1142A>C on transcript NM_001080467.3 (MANE Select); 1142 bases downstream of the stop codon, A replaced by C.
Molecular consequence: 3 prime UTR variant.
Genome position (GRCh38, 1-based): chr18:49,825,329, T>G on the plus strand (A>C on the coding strand, the complement: MYO5B is on the minus strand). VCF-style: chr18-49825329-T-G. GRCh37 (hg19) VCF-style: chr18-47351699-T-G.
Identifiers: ClinVar variation 326973 (VCV000326973.5), dbSNP rs146397214, ClinGen allele CA10651701.

ClinVar aggregate classification (germline): Benign (1 of 4 stars; one submission).

Conditions:
Congenital microvillous atrophy (DIAR2). Also called: DAVIDSON DISEASE; MICROVILLUS ATROPHY, CONGENITAL; Microvillus inclusion disease; Diarrhea 2 with microvillus atrophy, with or without cholestasis; CONGENITAL FAMILIAL PROTRACTED DIARRHEA WITH ENTEROCYTE BRUSH-BORDER ABNORMALITIES. Identifiers: Orphanet 2290, MedGen C0341306, MONDO:0009635, OMIM 251850.

Allele frequency attached by ClinVar (database versions not stated): TOPMed 0.00799; 1000 Genomes Project 0.00839; 1000 Genomes Project 30x 0.00874; gnomAD 0.00700 and 0.00739.

Submission:

Illumina Laboratory Services, Illumina
Classification: Benign for Congenital microvillous atrophy. Last evaluated: 2018-01-13. Review status: criteria provided, single submitter. Criteria: ICSL Variant Classification Criteria 13 December 2019. Collection method: clinical testing. Allele origin: germline.
Comment: This variant was observed in the ICSL laboratory as part of a predisposition screen in an ostensibly healthy population. It had not been previously curated by ICSL or reported in the Human Gene Mutation Database (HGMD: prior to June 1st, 2018), and was therefore a candidate for classification through an automated scoring system. Utilizing variant allele frequency, disease prevalence and penetrance estimates, and inheritance mode, an automated score was calculated to assess if this variant is too frequent to cause the disease. Based on the score and internal cut-off values, a variant classified as benign is not then subjected to further curation. The score for this variant resulted in a classification of benign for this disease.